The following is an entry in ClinVar:

NM_002291.3(LAMB1):c.1710A>G (p.Ile570Met)

Gene: LAMB1 (laminin subunit beta 1; minus strand). Cytogenetic location: 7q31.1.
Variant type: single nucleotide variant.
Coding change: c.1710A>G on transcript NM_002291.3 (MANE Select); coding-DNA position 1710, A replaced by G.
Protein change: p.Ile570Met; replaces isoleucine 570 with methionine.
Molecular consequence: missense variant.
Genome position (GRCh38, 1-based): chr7:107,963,052, T>C on the plus strand (A>G on the coding strand, the complement: LAMB1 is on the minus strand). VCF-style: chr7-107963052-T-C. GRCh37 (hg19) VCF-style: chr7-107603497-T-C.
Other names: short protein forms I570M.
Identifiers: ClinVar variation 1486848 (VCV001486848.8), dbSNP rs780968339, ClinGen allele CA164254423.

ClinVar aggregate classification (germline): Uncertain significance (1 of 4 stars; one submission).

Allele frequency attached by ClinVar (database versions not stated): gnomAD 0.00001; gnomAD exomes 0.00001 and 0.00002; TOPMed 0.00002.
gnomAD v4.1: 14 of 1,612,628 alleles (0.00087%); highest among the groups gnomAD compares: Admixed American, 0.0017%; no homozygotes.

Submission:

Labcorp Genetics (formerly Invitae), Labcorp
Classification: Uncertain significance. Last evaluated: 2025-05-05. Review status: criteria provided, single submitter. Criteria: Invitae Variant Classification Sherloc (09022015). Collection method: clinical testing. Allele origin: germline.
Comment: This sequence change replaces isoleucine, which is neutral and non-polar, with methionine, which is neutral and non-polar, at codon 570 of the LAMB1 protein (p.Ile570Met). This variant is present in population databases (rs780968339, gnomAD 0.003%). This variant has not been reported in the literature in individuals affected with LAMB1-related conditions. ClinVar contains an entry for this variant (Variation ID: 1486848). An algorithm developed to predict the effect of missense changes on protein structure and function (PolyPhen-2) suggests that this variant is likely to be tolerated. In summary, the available evidence is currently insufficient to determine the role of this variant in disease. Therefore, it has been classified as a Variant of Uncertain Significance.